The following is an entry in ClinVar:

ClinVar aggregate classification (germline): Likely pathogenic (1 of 4 stars; one submission).

Submission:

Institute for Clinical Genetics, University Hospital TU Dresden, University Hospital TU Dresden
Classification: Likely pathogenic. Last evaluated: 2022-04-14. Review status: criteria provided, single submitter. Criteria: ACMG Guidelines, 2015. Collection method: clinical testing. Allele origin: germline.
Comment: PVS1, PM2_SUP

NM_014516.4(CNOT3):c.1094C>A (p.Ser365Ter)

Gene: CNOT3 (CCR4-NOT transcription complex subunit 3; plus strand). Cytogenetic location: 19q13.42.
Variant type: single nucleotide variant.
Coding change: c.1094C>A on transcript NM_014516.4 (MANE Select); coding-DNA position 1094, C replaced by A.
Protein change: p.Ser365Ter; replaces serine 365 with a stop codon.
Molecular consequence: nonsense.
Genome position (GRCh38, 1-based): chr19:54,148,347, C>A. VCF-style: chr19-54148347-C-A. GRCh37 (hg19) VCF-style: chr19-54652082-C-A.
Other names: short protein forms S365*.
Identifiers: ClinVar variation 2576181 (VCV002576181.1), dbSNP rs587767936, ClinGen allele CA407763870.
Genomic context (GRCh38, chr19:54,148,347, plus strand): 5'-CCCCCGCAGCACCCCCAAGTGCCCTGGGCCCCAAGGCCAGTCCAGCTCCCAGCCACAACT[C>A]GGGCACCCCTGCTCCCTATGCCCAGGCTGTGGCCCCACCAGCTCCCAGTGGGCCCAGCAC-3'